The following is an entry in ClinVar:

ClinVar aggregate classification (germline): Uncertain significance (1 of 4 stars; one submission).

Conditions:
Congenital myasthenic syndrome 4A. Also called: Myasthenic syndrome, congenital, 4a, slow-channel; CONGENITAL MYASTHENIC SYNDROME TYPE Ia1; MYASTHENIC SYNDROME, CONGENITAL, 4A, SLOW-CHANNEL, AUTOSOMAL RECESSIVE. Identifiers: Orphanet 590, MedGen C4225413, MONDO:0011600, OMIM 605809.

Submission:

Labcorp Genetics (formerly Invitae), Labcorp
Classification: Uncertain significance for Congenital myasthenic syndrome 4A. Last evaluated: 2024-10-16. Review status: criteria provided, single submitter. Criteria: Invitae Variant Classification Sherloc (09022015). Collection method: clinical testing. Allele origin: germline.
Comment: This sequence change replaces asparagine, which is neutral and polar, with serine, which is neutral and polar, at codon 480 of the CHRNE protein (p.Asn480Ser). This variant is present in population databases (no rsID available, gnomAD 0.006%). This variant has not been reported in the literature in individuals affected with CHRNE-related conditions. ClinVar contains an entry for this variant (Variation ID: 1416009). Invitae Evidence Modeling of protein sequence and biophysical properties (such as structural, functional, and spatial information, amino acid conservation, physicochemical variation, residue mobility, and thermodynamic stability) has been performed for this missense variant. However, the output from this modeling did not meet the statistical confidence thresholds required to predict the impact of this variant on CHRNE protein function. In summary, the available evidence is currently insufficient to determine the role of this variant in disease. Therefore, it has been classified as a Variant of Uncertain Significance.

NM_000080.4(CHRNE):c.1439A>G (p.Asn480Ser)

Gene: CHRNE (cholinergic receptor nicotinic epsilon subunit; minus strand). Cytogenetic location: 17p13.2.
Variant type: single nucleotide variant.
Coding change: c.1439A>G on transcript NM_000080.4 (MANE Select); coding-DNA position 1439, A replaced by G.
Protein change: p.Asn480Ser; replaces asparagine 480 with serine.
Molecular consequence: missense variant.
Genome position (GRCh38, 1-based): chr17:4,898,779, T>C on the plus strand (A>G on the coding strand, the complement: CHRNE is on the minus strand). VCF-style: chr17-4898779-T-C. GRCh37 (hg19) VCF-style: chr17-4802074-T-C.
Other names: short protein forms N480S.
Identifiers: ClinVar variation 1416009 (VCV001416009.5), dbSNP rs760738362, ClinGen allele CA397297356.
Genomic context (GRCh38, chr17:4,898,779, plus strand): 5'-ATTGAAGTCGGTGCGAGCTAAGGCTGGATACACGGCGCGTAGGGGAGATCAGGCACTCGG[T>C]TGAAGTAGGCCCCGAGGAAGATGAGGCTGGAGCCCACGCTGAAGAGCACCAGAGCGGCCC-3'
Protein context (NP_000071.1, residues 470-490): SSLIFLGAYF[Asn480Ser]RVPDLPYAPC